The following is an entry in ClinVar:

NM_001330360.2(POLA1):c.864A>G (p.Glu288=)

Gene: POLA1 (DNA polymerase alpha 1, catalytic subunit; plus strand). Cytogenetic location: Xp22.11.
Variant type: single nucleotide variant.
Coding change: c.864A>G on transcript NM_001330360.2 (MANE Select); coding-DNA position 864, A replaced by G.
Protein change: p.Glu288=; no amino-acid change (glutamic acid 288 retained).
Molecular consequence: synonymous variant. On other transcripts: non-coding transcript variant (2).
Genome position (GRCh38, 1-based): chrX:24,717,447, A>G. VCF-style: chrX-24717447-A-G. GRCh37 (hg19) VCF-style: chrX-24735564-A-G.
Other names: c.864A>G, p.Glu288= (NM_001378303.1); c.846A>G, p.Glu282= (NM_016937.4).
Identifiers: ClinVar variation 2135650 (VCV002135650.4), dbSNP rs2518764302, ClinGen allele CA515943699.

ClinVar aggregate classification (germline): Uncertain significance (1 of 4 stars; one submission).

Allele frequency attached by ClinVar (database versions not stated): gnomAD exomes below 0.00001.
gnomAD v4.1: 1 of 1,211,858 alleles (0.000083%); highest among the groups gnomAD compares: Middle Eastern, 0.023%; no homozygotes.

Submission:

Labcorp Genetics (formerly Invitae), Labcorp
Classification: Uncertain significance. Last evaluated: 2022-05-30. Review status: criteria provided, single submitter. Criteria: Invitae Variant Classification Sherloc (09022015). Collection method: clinical testing. Allele origin: germline.
Comment: In summary, the available evidence is currently insufficient to determine the role of this variant in disease. Therefore, it has been classified as a Variant of Uncertain Significance. Algorithms developed to predict the effect of sequence changes on RNA splicing suggest that this variant may create or strengthen a splice site. This variant has not been reported in the literature in individuals affected with POLA1-related conditions. This variant is not present in population databases (gnomAD no frequency). This sequence change affects codon 282 of the POLA1 mRNA. It is a 'silent' change, meaning that it does not change the encoded amino acid sequence of the POLA1 protein.